The following is an entry in ClinVar:

ClinVar aggregate classification (germline): Uncertain significance (1 of 4 stars; one submission).

Conditions:
Neuropathy, hereditary sensory and autonomic, type 1C. Also called: HSAN IC; HSN IC. Identifiers: Orphanet 36386, MedGen C3150896, MONDO:0013337, OMIM 613640.

Submission:

Labcorp Genetics (formerly Invitae), Labcorp
Classification: Uncertain significance for Neuropathy, hereditary sensory and autonomic, type 1C. Last evaluated: 2025-02-19. Review status: criteria provided, single submitter. Criteria: Invitae Variant Classification Sherloc (09022015). Collection method: clinical testing. Allele origin: germline.
Comment: This sequence change replaces leucine, which is neutral and non-polar, with valine, which is neutral and non-polar, at codon 291 of the SPTLC2 protein (p.Leu291Val). This variant is not present in population databases (gnomAD no frequency). This variant has not been reported in the literature in individuals affected with SPTLC2-related conditions. Invitae Evidence Modeling of protein sequence and biophysical properties (such as structural, functional, and spatial information, amino acid conservation, physicochemical variation, residue mobility, and thermodynamic stability) has been performed for this missense variant. However, the output from this modeling did not meet the statistical confidence thresholds required to predict the impact of this variant on SPTLC2 protein function. In summary, the available evidence is currently insufficient to determine the role of this variant in disease. Therefore, it has been classified as a Variant of Uncertain Significance.

NM_004863.4(SPTLC2):c.871C>G (p.Leu291Val)

Gene: SPTLC2 (serine palmitoyltransferase long chain base subunit 2; minus strand). Cytogenetic location: 14q24.3.
Variant type: single nucleotide variant.
Coding change: c.871C>G on transcript NM_004863.4 (MANE Select); coding-DNA position 871, C replaced by G.
Protein change: p.Leu291Val; replaces leucine 291 with valine.
Molecular consequence: missense variant.
Genome position (GRCh38, 1-based): chr14:77,557,126, G>C on the plus strand (C>G on the coding strand, the complement: SPTLC2 is on the minus strand). VCF-style: chr14-77557126-G-C. GRCh37 (hg19) VCF-style: chr14-78023469-G-C.
Other names: short protein forms L291V.
Identifiers: ClinVar variation 4709893 (VCV004709893.1).